The following is an entry in ClinVar:

NM_004525.3(LRP2):c.1425C>T (p.Asp475=)

Gene: LRP2 (LDL receptor related protein 2; minus strand). Cytogenetic location: 2q31.1.
Variant type: single nucleotide variant.
Coding change: c.1425C>T on transcript NM_004525.3 (MANE Select); coding-DNA position 1425, C replaced by T.
Protein change: p.Asp475=; no amino-acid change (aspartic acid 475 retained).
Molecular consequence: synonymous variant.
Genome position (GRCh38, 1-based): chr2:169,279,512, G>A on the plus strand (C>T on the coding strand, the complement: LRP2 is on the minus strand). VCF-style: chr2-169279512-G-A. GRCh37 (hg19) VCF-style: chr2-170136022-G-A.
Identifiers: ClinVar variation 763471 (VCV000763471.18), dbSNP rs186484839, ClinGen allele CA1955566.

ClinVar aggregate classification (germline): Conflicting classifications of pathogenicity. Review status: criteria provided, conflicting classifications (1 of 4 stars). 5 submissions from 5 submitters: Uncertain significance (1); Benign (1); Likely benign (2). 1 of the submissions does not count toward it. Last evaluated 2026-01-26.

Conditions:
LRP2-related disorder. Also called: LRP2-related condition.
Donnai-Barrow syndrome. Also called: DBS/FOAR SYNDROME; FACIOOCULOACOUSTICORENAL SYNDROME. Identifiers: Orphanet 2143, MedGen C1857277, MONDO:0009104, OMIM 222448.

Allele frequency attached by ClinVar (database versions not stated): gnomAD 0.00007 and 0.00011; gnomAD exomes 0.00007 and 0.00030; TOPMed 0.00012; ExAC 0.00019; 1000 Genomes Project 30x 0.00109; 1000 Genomes Project 0.00120.
gnomAD v4.1: 119 of 1,613,748 alleles (0.0074%); highest among the groups gnomAD compares: East Asian, 0.23%; no homozygotes.

Submissions (5):

Labcorp Genetics (formerly Invitae), Labcorp
Classification: Benign. Last evaluated: 2026-01-26. Review status: criteria provided, single submitter. Criteria: Invitae Variant Classification Sherloc (09022015). Collection method: clinical testing. Allele origin: germline.

Blueprint Genetics
Classification: Likely benign. Last evaluated: 2023-11-07. Review status: criteria provided, single submitter. Criteria: ACMG Guidelines, 2015. Collection method: clinical testing. Allele origin: germline.

Genome-Nilou Lab
Classification: Likely benign for Donnai-Barrow syndrome. Last evaluated: 2021-07-15. Review status: criteria provided, single submitter. Criteria: ACMG Guidelines, 2015. Collection method: clinical testing. Allele origin: germline. Affected: no.

Illumina Laboratory Services, Illumina
Classification: Uncertain significance for Donnai-Barrow syndrome. Last evaluated: 2018-01-13. Review status: criteria provided, single submitter. Criteria: ICSL Variant Classification Criteria 13 December 2019. Collection method: clinical testing. Allele origin: germline.

PreventionGenetics, part of Exact Sciences
Classification: Likely benign for LRP2-related condition. Last evaluated: 2019-09-19. Review status: no assertion criteria provided. Collection method: clinical testing. Allele origin: germline. Not counted in ClinVar's aggregate classification.
Comment: This variant is classified as likely benign based on ACMG/AMP sequence variant interpretation guidelines (Richards et al. 2015 PMID: 25741868, with internal and published modifications).